The following is an entry in ClinVar:

ClinVar aggregate classification (germline): Uncertain significance (1 of 4 stars; one submission).

Conditions:
Severe combined immunodeficiency due to DNA-PKcs deficiency. Also called: IMMUNODEFICIENCY 26 WITH NEUROLOGIC ABNORMALITIES; Immunodeficiency 26 with or without neurologic abnormalities. Identifiers: Orphanet 317425, MedGen C4014833, MONDO:0014423, OMIM 615966.

gnomAD v4.1: 1 of 1,592,384 alleles (0.000063%); highest among the groups gnomAD compares: Non-Finnish European, 0.000086%; no homozygotes.

Submission:

Labcorp Genetics (formerly Invitae), Labcorp
Classification: Uncertain significance for Severe combined immunodeficiency due to DNA-PKcs deficiency. Last evaluated: 2022-11-08. Review status: criteria provided, single submitter. Criteria: Invitae Variant Classification Sherloc (09022015). Collection method: clinical testing. Allele origin: germline.
Comment: Advanced modeling of protein sequence and biophysical properties (such as structural, functional, and spatial information, amino acid conservation, physicochemical variation, residue mobility, and thermodynamic stability) performed at Invitae indicates that this missense variant is not expected to disrupt PRKDC protein function. In summary, the available evidence is currently insufficient to determine the role of this variant in disease. Therefore, it has been classified as a Variant of Uncertain Significance. This variant has not been reported in the literature in individuals affected with PRKDC-related conditions. This variant is not present in population databases (gnomAD no frequency). This sequence change replaces tyrosine, which is neutral and polar, with cysteine, which is neutral and slightly polar, at codon 3036 of the PRKDC protein (p.Tyr3036Cys).

NM_006904.7(PRKDC):c.9107A>G (p.Tyr3036Cys)

Gene: PRKDC (protein kinase, DNA-activated, catalytic subunit; minus strand). Cytogenetic location: 8q11.21.
Variant type: single nucleotide variant.
Coding change: c.9107A>G on transcript NM_006904.7 (MANE Select); coding-DNA position 9107, A replaced by G.
Protein change: p.Tyr3036Cys; replaces tyrosine 3036 with cysteine.
Molecular consequence: missense variant.
Genome position (GRCh38, 1-based): chr8:47,821,608, T>C on the plus strand (A>G on the coding strand, the complement: PRKDC is on the minus strand). VCF-style: chr8-47821608-T-C. GRCh37 (hg19) VCF-style: chr8-48734169-T-C.
Other names: c.9107A>G, p.Tyr3036Cys (NM_001081640.2); short protein forms Y3036C.
Identifiers: ClinVar variation 1715353 (VCV001715353.5), dbSNP rs767730320, ClinGen allele CA176148500.
Genomic context (GRCh38, chr8:47,821,608, plus strand): 5'-GTAGAAAACACCTATCTAAAATAATTATTTCAATCACTTAAAATAATTTTACCCACCTGA[T>C]AAAATGGTTCACTCCAGATTTTATTTAGGTCTGGGGGGTTCTCACTGTCTATACTGGCTG-3'
Protein context (NP_008835.5, residues 3026-3046): DLNKIWSEPF[Tyr3036Cys]QETYLPYMIR